The following is an entry in ClinVar:

ClinVar aggregate classification (germline): Uncertain significance (1 of 4 stars; one submission).

Conditions:
Brugada syndrome. Also called: Sudden unexpected nocturnal death syndrome; Sudden unexplained nocturnal death syndrome; Sudden Unexplained Death Syndrome; Sudden Unexplained Nocturnal Death Syndrome (SUNDS). Identifiers: Orphanet 130, MedGen C1142166, MONDO:0015263.

gnomAD v4.1: 1 of 1,614,236 alleles (0.000062%); highest among the groups gnomAD compares: Non-Finnish European, 0.000085%; no homozygotes.

Submission:

Labcorp Genetics (formerly Invitae), Labcorp
Classification: Uncertain significance for Brugada syndrome. Last evaluated: 2018-12-05. Review status: criteria provided, single submitter. Criteria: Invitae Variant Classification Sherloc (09022015). Collection method: clinical testing. Allele origin: germline.
Comment: This variant has not been reported in the literature in individuals with SCN10A-related conditions. This variant is not present in population databases (ExAC no frequency). This sequence change replaces tyrosine with phenylalanine at codon 1188 of the SCN10A protein (p.Tyr1188Phe). The tyrosine residue is moderately conserved and there is a small physicochemical difference between tyrosine and phenylalanine. Algorithms developed to predict the effect of missense changes on protein structure and function output the following: SIFT: "Tolerated"; PolyPhen-2: "Benign"; Align-GVGD: "Class C0". The phenylalanine amino acid residue is found in multiple mammalian species, suggesting that this missense change does not adversely affect protein function. These predictions have not been confirmed by published functional studies and their clinical significance is uncertain. In summary, the available evidence is currently insufficient to determine the role of this variant in disease. Therefore, it has been classified as a Variant of Uncertain Significance.

NM_006514.4(SCN10A):c.3563A>T (p.Tyr1188Phe)

Gene: SCN10A (sodium voltage-gated channel alpha subunit 10; minus strand). Cytogenetic location: 3p22.2.
Variant type: single nucleotide variant.
Coding change: c.3563A>T on transcript NM_006514.4 (MANE Select); coding-DNA position 3563, A replaced by T.
Protein change: p.Tyr1188Phe; replaces tyrosine 1188 with phenylalanine.
Molecular consequence: missense variant.
Genome position (GRCh38, 1-based): chr3:38,718,771, T>A on the plus strand (A>T on the coding strand, the complement: SCN10A is on the minus strand). VCF-style: chr3-38718771-T-A. GRCh37 (hg19) VCF-style: chr3-38760262-T-A.
Other names: c.3560A>T, p.Tyr1187Phe (NM_001293306.2); c.3269A>T, p.Tyr1090Phe (NM_001293307.2); short protein forms Y1187F, Y1090F, Y1188F.
Identifiers: ClinVar variation 649035 (VCV000649035.5), dbSNP rs549879065, ClinGen allele CA352153260.